The following is an entry in ClinVar:

NM_000069.3(CACNA1S):c.5135-3C>T

Gene: CACNA1S (calcium voltage-gated channel subunit alpha1 S; minus strand). Cytogenetic location: 1q32.1.
Variant type: single nucleotide variant.
Coding change: c.5135-3C>T on transcript NM_000069.3 (MANE Select); 3 bases into the intron before coding-DNA position 5135, C replaced by T.
Molecular consequence: intron variant.
Genome position (GRCh38, 1-based): chr1:201,040,716, G>A on the plus strand (C>T on the coding strand, the complement: CACNA1S is on the minus strand). VCF-style: chr1-201040716-G-A. GRCh37 (hg19) VCF-style: chr1-201009844-G-A.
Identifiers: ClinVar variation 863182 (VCV000863182.7), dbSNP rs1311822511, ClinGen allele CA528312286.
Genomic context (GRCh38, chr1:201,040,716, plus strand): 5'-ATTGCCCTCTGGGTCAGCAGTCCCTTCAGCATCTCCACACAGGGTTTGCTGTGGGGTCCT[G>A]TATGCAAGAAGGGGCAAGGATAAGAGGGGCTGCTGACTCCTGCCAGGAGCCCTGAGTCAA-3'

ClinVar aggregate classification (germline): Conflicting classifications of pathogenicity. Review status: criteria provided, conflicting classifications (1 of 4 stars). 2 submissions from 2 submitters: Uncertain significance (1); Likely benign (1). Last evaluated 2023-06-08.

Conditions:
Malignant hyperthermia, susceptibility to, 5 (MHS5). Also called: CACNA1S-Related Malignant Hyperthermia Susceptibility. Identifiers: Orphanet 423, MedGen C1866077, MONDO:0011163, OMIM 601887.
Hypokalemic periodic paralysis, type 1. Also called: Hypokalemic Periodic Paralysis Type 1 (AD); HypoPP. Identifiers: Orphanet 681, MedGen C3714580, MONDO:0042979, OMIM 170400.

Allele frequency attached by ClinVar (database versions not stated): gnomAD exomes below 0.00001; gnomAD 0.00001.
gnomAD v4.1: 4 of 1,612,938 alleles (0.00025%); highest among the groups gnomAD compares: Non-Finnish European, 0.00034%; no homozygotes.

Submissions (2):

All of Us Research Program, National Institutes of Health
Classification: Likely benign for Malignant hyperthermia, susceptibility to, 5. Last evaluated: 2023-06-08. Review status: criteria provided, single submitter. Criteria: ACMG Guidelines, 2015. Collection method: clinical testing. Allele origin: germline. Inheritance: Autosomal dominant inheritance. Observed: 1 variant allele, 1 heterozygote.
Comment: This study involves interpretation of variants in research participants for the purpose of population health screening. Participant phenotype was not available at the time of variant classification. Additional details can be found in publication PMID: 35346344, PMCID: PMC8962531

Labcorp Genetics (formerly Invitae), Labcorp
Classification: Uncertain significance for Hypokalemic periodic paralysis, type 1; Malignant hyperthermia, susceptibility to, 5. Last evaluated: 2022-08-23. Review status: criteria provided, single submitter. Criteria: Invitae Variant Classification Sherloc (09022015). Collection method: clinical testing. Allele origin: germline.
Comment: In summary, the available evidence is currently insufficient to determine the role of this variant in disease. Therefore, it has been classified as a Variant of Uncertain Significance. Variants that disrupt the consensus splice site are a relatively common cause of aberrant splicing (PMID: 17576681, 9536098). Algorithms developed to predict the effect of sequence changes on RNA splicing suggest that this variant is not likely to affect RNA splicing. ClinVar contains an entry for this variant (Variation ID: 863182). This variant has not been reported in the literature in individuals affected with CACNA1S-related conditions. This variant is present in population databases (no rsID available, gnomAD 0.0009%). This sequence change falls in intron 41 of the CACNA1S gene. It does not directly change the encoded amino acid sequence of the CACNA1S protein. It affects a nucleotide within the consensus splice site.

Literature cited by the submitters: PubMed 17576681 (cited by Labcorp Genetics (formerly Invitae), Labcorp); PubMed 9536098 (cited by Labcorp Genetics (formerly Invitae), Labcorp).